The following is an entry in ClinVar:

ClinVar aggregate classification (germline): Uncertain significance. Review status: criteria provided, multiple submitters, no conflicts (2 of 4 stars). 2 submissions from 2 submitters: Uncertain significance (2). Last evaluated 2025-06-23.

Allele frequency attached by ClinVar (database versions not stated): gnomAD 0.00001.
gnomAD v4.1: 1 of 1,613,500 alleles (0.000062%); highest among the groups gnomAD compares: African/African-American, 0.0013%; no homozygotes.

Submissions (2):

GeneDx
Classification: Uncertain significance. Last evaluated: 2025-06-23. Review status: criteria provided, single submitter. Criteria: GeneDx Variant Classification Process June 2021. Collection method: clinical testing. Allele origin: germline. Affected: yes.
Comment: Not observed at significant frequency in large population cohorts (gnomAD); In silico analysis supports that this missense variant has a deleterious effect on protein structure/function; Has not been previously published as pathogenic or benign to our knowledge

Labcorp Genetics (formerly Invitae), Labcorp
Classification: Uncertain significance. Last evaluated: 2022-02-10. Review status: criteria provided, single submitter. Criteria: Invitae Variant Classification Sherloc (09022015). Collection method: clinical testing. Allele origin: germline.
Comment: This sequence change replaces aspartic acid, which is acidic and polar, with asparagine, which is neutral and polar, at codon 736 of the ERCC6 protein (p.Asp736Asn). This variant is not present in population databases (gnomAD no frequency). This variant has not been reported in the literature in individuals affected with ERCC6-related conditions. Algorithms developed to predict the effect of missense changes on protein structure and function are either unavailable or do not agree on the potential impact of this missense change (SIFT: "Deleterious"; PolyPhen-2: "Benign"; Align-GVGD: "Class C15"). In summary, the available evidence is currently insufficient to determine the role of this variant in disease. Therefore, it has been classified as a Variant of Uncertain Significance.

NM_000124.4(ERCC6):c.2206G>A (p.Asp736Asn)

Gene: ERCC6 (ERCC excision repair 6, chromatin remodeling factor; minus strand). Cytogenetic location: 10q11.23.
Variant type: single nucleotide variant.
Coding change: c.2206G>A on transcript NM_000124.4 (MANE Select); coding-DNA position 2206, G replaced by A.
Protein change: p.Asp736Asn; replaces aspartic acid 736 with asparagine.
Molecular consequence: missense variant.
Genome position (GRCh38, 1-based): chr10:49,478,434, C>T on the plus strand (G>A on the coding strand, the complement: ERCC6 is on the minus strand). VCF-style: chr10-49478434-C-T. GRCh37 (hg19) VCF-style: chr10-50686480-C-T.
Other names: c.2206G>A, p.Asp736Asn (NM_001346440.2); short protein forms D736N.
Identifiers: ClinVar variation 1945204 (VCV001945204.3), dbSNP rs1850916571, ClinGen allele CA376723760.